The following is an entry in ClinVar:

NM_006516.4(SLC2A1):c.558G>A (p.Trp186Ter)

Gene: SLC2A1 (solute carrier family 2 member 1; minus strand). Cytogenetic location: 1p34.2.
Variant type: single nucleotide variant.
Coding change: c.558G>A on transcript NM_006516.4 (MANE Select); coding-DNA position 558, G replaced by A.
Protein change: p.Trp186Ter; replaces tryptophan 186 with a stop codon.
Molecular consequence: nonsense.
Genome position (GRCh38, 1-based): chr1:42,929,994, C>T on the plus strand (G>A on the coding strand, the complement: SLC2A1 is on the minus strand). VCF-style: chr1-42929994-C-T. GRCh37 (hg19) VCF-style: chr1-43395665-C-T.
Other names: short protein forms W186*.
Identifiers: ClinVar variation 1069398 (VCV001069398.11), dbSNP rs2124449417, ClinGen allele CA339958700.
Genomic context (GRCh38, chr1:42,929,994, plus strand): 5'-GAAGGGCAGCACGATGCACTGCAGCAGGGCCGGGATGAAGATGATGCTCAGCAGCAGGGG[C>T]CACAGGTCCTTGTTGCCCATGATGGAGTCCAGGCCGAACACCTGGGGGAAGCAGGGGCCG-3'

ClinVar aggregate classification (germline): Pathogenic. Review status: criteria provided, multiple submitters, no conflicts (2 of 4 stars). 3 submissions from 3 submitters: Pathogenic (3). Last evaluated 2023-04-11.

Conditions:
Inborn genetic diseases. Identifiers: MedGen C0950123, MeSH D030342.
Encephalopathy due to GLUT1 deficiency. Also called: GLUCOSE TRANSPORT DEFECT, BLOOD-BRAIN BARRIER; Classic Glucose Transporter Type 1 Deficiency Syndrome; De Vivo disease; GLUT1 deficiency syndrome 1, infantile onset, severe; Glucose transporter protein syndrome; GLUT1 deficiency syndrome 1. Identifiers: Orphanet 71277, MedGen C4551966, MONDO:0011724, OMIM 606777.
GLUT1 deficiency syndrome 1, autosomal recessive. Identifiers: MedGen C3149117.

Submissions (3):

Genome-Nilou Lab
Classification: Pathogenic for Encephalopathy due to GLUT1 deficiency. Last evaluated: 2023-04-11. Review status: criteria provided, single submitter. Criteria: ACMG Guidelines, 2015. Collection method: clinical testing. Allele origin: germline. Affected: no.

Labcorp Genetics (formerly Invitae), Labcorp
Classification: Pathogenic for GLUT1 deficiency syndrome 1, autosomal recessive. Last evaluated: 2020-03-02. Review status: criteria provided, single submitter. Criteria: Invitae Variant Classification Sherloc (09022015). Collection method: clinical testing. Allele origin: germline.
Comment: For these reasons, this variant has been classified as Pathogenic. Loss-of-function variants in SLC2A1 are known to be pathogenic (PMID: 21832227, 26193382). A different variant (c.557G>A) giving rise to the same protein effect observed here (p.Trp186*) has been determined to be pathogenic (PMID: Invitae). This suggests that this variant is also likely to be causative of disease. This variant has not been reported in the literature in individuals with SLC2A1-related conditions. This variant is not present in population databases (ExAC no frequency). This sequence change creates a premature translational stop signal (p.Trp186*) in the SLC2A1 gene. It is expected to result in an absent or disrupted protein product.

Ambry Genetics
Classification: Pathogenic for Inborn genetic diseases. Last evaluated: 2018-06-13. Review status: criteria provided, single submitter. Criteria: Ambry Variant Classification Scheme 2023. Collection method: clinical testing. Allele origin: germline.
Comment: The p.W186* pathogenic mutation (also known as c.558G>A), located in coding exon 5 of the SLC2A1 gene, results from a G to A substitution at nucleotide position 558. This changes the amino acid from a tryptophan to a stop codon within coding exon 5. This alteration is expected to result in loss of function by premature protein truncation or nonsense-mediated mRNA decay. As such, this alteration is interpreted as a disease-causing mutation.

Literature cited by the submitters: PubMed 21832227 (cited by Labcorp Genetics (formerly Invitae), Labcorp); PubMed 26193382 (cited by Labcorp Genetics (formerly Invitae), Labcorp).